The following is an entry in ClinVar:

NM_000554.6(CRX):c.688G>C (p.Gly230Arg)

Gene: CRX (cone-rod homeobox; plus strand). Cytogenetic location: 19q13.33.
Variant type: single nucleotide variant.
Coding change: c.688G>C on transcript NM_000554.6 (MANE Select); coding-DNA position 688, G replaced by C.
Protein change: p.Gly230Arg; replaces glycine 230 with arginine.
Molecular consequence: missense variant.
Genome position (GRCh38, 1-based): chr19:47,839,755, G>C. VCF-style: chr19-47839755-G-C. GRCh37 (hg19) VCF-style: chr19-48343012-G-C.
Other names: c.688G>C (NM_000554.5); short protein forms G230R.
Identifiers: ClinVar variation 1054146 (VCV001054146.10), dbSNP rs1461832129, ClinGen allele CA406631565.

ClinVar aggregate classification (germline): Uncertain significance. Review status: criteria provided, multiple submitters, no conflicts (2 of 4 stars). 2 submissions from 2 submitters: Uncertain significance (2). Last evaluated 2026-07-16.

Conditions:
CRX-related disorder. Also called: CRX-related condition.
Leber congenital amaurosis 7 (LCA7). Identifiers: Orphanet 65, MedGen C3151192, MONDO:0013449, OMIM 613829.
Cone-rod dystrophy 2 (CORD2). Also called: CONE-ROD RETINAL DYSTROPHY; Cone-rod retinal dystrophy 2. Identifiers: Orphanet 1872, MedGen C3489532, MONDO:0007362, OMIM 120970.

Allele frequency attached by ClinVar (database versions not stated): gnomAD exomes below 0.00001; gnomAD 0.00001.

Submissions (2):

PreventionGenetics, part of Exact Sciences
Classification: Uncertain significance for CRX-related condition. Last evaluated: 2026-07-16. Review status: criteria provided, single submitter. Criteria: ACMG Guidelines, 2015. Collection method: clinical testing. Allele origin: germline.
Comment: The CRX c.688G>C variant is predicted to result in the amino acid substitution p.Gly230Arg. This variant was detected in an individual with eye disease, but was considered benign by the authors (Yi et al. 2019. PubMedID: 31626798). This variant is reported in 0.00088% of alleles in individuals of European (Non-Finnish) descent in gnomAD. At this time, the clinical significance of this variant is uncertain due to the absence of conclusive functional and genetic evidence.

Labcorp Genetics (formerly Invitae), Labcorp
Classification: Uncertain significance for Cone-rod dystrophy 2; Leber congenital amaurosis 7. Last evaluated: 2020-02-25. Review status: criteria provided, single submitter. Criteria: Invitae Variant Classification Sherloc (09022015). Collection method: clinical testing. Allele origin: germline.
Comment: This variant is not present in population databases (ExAC no frequency). In summary, the available evidence is currently insufficient to determine the role of this variant in disease. Therefore, it has been classified as a Variant of Uncertain Significance. Algorithms developed to predict the effect of missense changes on protein structure and function (SIFT, PolyPhen-2, Align-GVGD) all suggest that this variant is likely to be disruptive, but these predictions have not been confirmed by published functional studies and their clinical significance is uncertain. This variant has not been reported in the literature in individuals with CRX-related conditions. This sequence change replaces glycine with arginine at codon 230 of the CRX protein (p.Gly230Arg). The glycine residue is highly conserved and there is a moderate physicochemical difference between glycine and arginine.